The following is an entry in ClinVar:

ClinVar aggregate classification (germline): Uncertain significance. Review status: criteria provided, multiple submitters, no conflicts (2 of 4 stars). 2 submissions from 2 submitters: Uncertain significance (2). Last evaluated 2026-05-12.

Conditions:
Neurofibromatosis, type 1 (NF1). Also called: VON RECKLINGHAUSEN DISEASE; NEUROFIBROMATOSIS, TYPE I, SOMATIC; Peripheral type neurofibromatosis; Neurofibromatosis, type I. Identifiers: Orphanet 636, MedGen C0027831, MONDO:0018975, OMIM 162200. Disease mechanism: loss of function.
Cardiovascular phenotype. Identifiers: MedGen CN230736.
Hereditary cancer-predisposing syndrome. Also called: Neoplastic Syndromes, Hereditary; Tumor predisposition; Hereditary Cancer Syndrome; Hereditary neoplastic syndrome. Identifiers: Orphanet 140162, MedGen C0027672, MeSH D009386, MONDO:0015356.

Submissions (2):

Ambry Genetics
Classification: Uncertain significance for Cardiovascular phenotype; Hereditary cancer-predisposing syndrome. Last evaluated: 2026-05-12. Review status: criteria provided, single submitter. Criteria: Ambry Variant Classification Scheme 2023. Collection method: clinical testing. Allele origin: germline.
Comment: The p.Q83H variant (also known as c.249G>C), located in coding exon 3 of the NF1 gene, results from a G to C substitution at nucleotide position 249. The glutamine at codon 83 is replaced by histidine, an amino acid with highly similar properties. This amino acid position is highly conserved in available vertebrate species. In addition, the in silico prediction for this alteration is inconclusive. Based on the available evidence, the clinical significance of this variant remains unclear.

Labcorp Genetics (formerly Invitae), Labcorp
Classification: Uncertain significance for Neurofibromatosis, type 1. Last evaluated: 2022-08-03. Review status: criteria provided, single submitter. Criteria: Invitae Variant Classification Sherloc (09022015). Collection method: clinical testing. Allele origin: germline.
Comment: In summary, the available evidence is currently insufficient to determine the role of this variant in disease. Therefore, it has been classified as a Variant of Uncertain Significance. This variant disrupts the p.Gln83 amino acid residue in NF1. Other variant(s) that disrupt this residue have been determined to be pathogenic (PMID: 23913538). This suggests that this residue is clinically significant, and that variants that disrupt this residue are likely to be disease-causing. Algorithms developed to predict the effect of missense changes on protein structure and function are either unavailable or do not agree on the potential impact of this missense change (SIFT: "Tolerated"; PolyPhen-2: "Probably Damaging"; Align-GVGD: "Class C0"). This variant has not been reported in the literature in individuals affected with NF1-related conditions. This variant is not present in population databases (gnomAD no frequency). This sequence change replaces glutamine, which is neutral and polar, with histidine, which is basic and polar, at codon 83 of the NF1 protein (p.Gln83His).

Literature cited by the submitters: PubMed 23913538 (cited by Labcorp Genetics (formerly Invitae), Labcorp).

NM_001042492.3(NF1):c.249G>C (p.Gln83His)

Gene: NF1 (neurofibromin 1; plus strand). Cytogenetic location: 17q11.2.
Variant type: single nucleotide variant.
Coding change: c.249G>C on transcript NM_001042492.3 (MANE Select); coding-DNA position 249, G replaced by C.
Protein change: p.Gln83His; replaces glutamine 83 with histidine.
Molecular consequence: missense variant.
Genome position (GRCh38, 1-based): chr17:31,159,054, G>C. VCF-style: chr17-31159054-G-C. GRCh37 (hg19) VCF-style: chr17-29486072-G-C.
Other names: c.249G>C, p.Gln83His (NM_000267.4, NM_001128147.3); short protein forms Q83H.
Identifiers: ClinVar variation 2021358 (VCV002021358.5), dbSNP rs1555605387, ClinGen allele CA398989663.